The following is an entry in ClinVar:

NM_001378615.1(CC2D2A):c.2835T>G (p.Tyr945Ter)

Genes: CC2D2A (coiled-coil and C2 domain containing 2A; plus strand), FBXL5 (F-box and leucine rich repeat protein 5; minus strand). Cytogenetic location: 4p15.32.
Variant type: single nucleotide variant.
Coding change: c.2835T>G on transcript NM_001378615.1 (MANE Select); coding-DNA position 2835, T replaced by G.
Protein change: p.Tyr945Ter; replaces tyrosine 945 with a stop codon.
Molecular consequence: nonsense.
Genome position (GRCh38, 1-based): chr4:15,559,170, T>G. VCF-style: chr4-15559170-T-G. GRCh37 (hg19) VCF-style: chr4-15560793-T-G.
Other names: c.2835T>G, p.Tyr945Ter (NM_001080522.2); c.2688T>G, p.Tyr896Ter (NM_001378617.1); short protein forms Y896*, Y945*.
Identifiers: ClinVar variation 5015858 (VCV005015858.1).

ClinVar aggregate classification (germline): Pathogenic (1 of 4 stars; one submission).

Conditions:
Joubert syndrome and related disorders. Identifiers: Orphanet 140874, MedGen C5679612, MONDO:0015369.

Submission:

Myriad Genetics, Inc.
Classification: Pathogenic for Joubert syndrome and related disorders. Last evaluated: 2026-05-03. Review status: criteria provided, single submitter. Criteria: Myriad Autosomal Dominant, Autosomal Recessive and X-Linked Classification Criteria (2023). Collection method: clinical testing. Allele origin: unknown.
Comment: NM_001080522.2(CC2D2A):c.2835T>G(Y945*) is expected to be pathogenic in the context of CC2D2A-related disorders. This variant is predicted to lead to an abnormal or absent protein product due to the creation of a premature termination codon in CC2D2A, a gene where loss-of-function variants are known to be pathogenic. Please note: this variant was assessed in the context of healthy population screening.